The following is an entry in ClinVar:

ClinVar aggregate classification (germline): Uncertain significance (1 of 4 stars; one submission).

Submission:

GeneDx
Classification: Uncertain significance. Last evaluated: 2026-02-06. Review status: criteria provided, single submitter. Criteria: GeneDx Variant Classification Process June 2021. Collection method: clinical testing. Allele origin: germline.
Comment: Not observed at significant frequency in large population cohorts (gnomAD); In silico analysis suggests that this missense variant does not alter protein structure/function; Has not been previously published as pathogenic or benign to our knowledge

NM_015295.3(SMCHD1):c.810A>T (p.Glu270Asp)

Gene: SMCHD1 (structural maintenance of chromosomes flexible hinge domain containing 1; plus strand). Cytogenetic location: 18p11.32.
Variant type: single nucleotide variant.
Coding change: c.810A>T on transcript NM_015295.3 (MANE Select); coding-DNA position 810, A replaced by T.
Protein change: p.Glu270Asp; replaces glutamic acid 270 with aspartic acid.
Molecular consequence: missense variant.
Genome position (GRCh38, 1-based): chr18:2,688,684, A>T. VCF-style: chr18-2688684-A-T. GRCh37 (hg19) VCF-style: chr18-2688682-A-T.
Other names: short protein forms E270D.
Identifiers: ClinVar variation 2499751 (VCV002499751.2), dbSNP rs2510001532, ClinGen allele CA401693477.